The following is an entry in ClinVar:

ClinVar aggregate classification (germline): Uncertain significance (1 of 4 stars; one submission).

Conditions:
Ataxia-telangiectasia-like disorder (ATLD). Identifiers: MedGen C1858391, MONDO:0011457.

Submission:

Labcorp Genetics (formerly Invitae), Labcorp
Classification: Uncertain significance for Ataxia-telangiectasia-like disorder. Last evaluated: 2023-07-07. Review status: criteria provided, single submitter. Criteria: Invitae Variant Classification Sherloc (09022015). Collection method: clinical testing. Allele origin: germline.
Comment: This sequence change replaces arginine, which is basic and polar, with serine, which is neutral and polar, at codon 570 of the MRE11 protein (p.Arg570Ser). This variant is not present in population databases (gnomAD no frequency). This variant has not been reported in the literature in individuals affected with MRE11-related conditions. ClinVar contains an entry for this variant (Variation ID: 1681568). An algorithm developed to predict the effect of missense changes on protein structure and function (PolyPhen-2) suggests that this variant is likely to be tolerated. In summary, the available evidence is currently insufficient to determine the role of this variant in disease. Therefore, it has been classified as a Variant of Uncertain Significance.

NM_005591.4(MRE11):c.1710A>T (p.Arg570Ser)

Gene: MRE11 (MRE11 double strand break repair nuclease; minus strand). Cytogenetic location: 11q21.
Variant type: single nucleotide variant.
Coding change: c.1710A>T on transcript NM_005591.4 (MANE Select); coding-DNA position 1710, A replaced by T.
Protein change: p.Arg570Ser; replaces arginine 570 with serine.
Molecular consequence: missense variant.
Genome position (GRCh38, 1-based): chr11:94,447,292, T>A on the plus strand (A>T on the coding strand, the complement: MRE11 is on the minus strand). VCF-style: chr11-94447292-T-A. GRCh37 (hg19) VCF-style: chr11-94180458-T-A.
Other names: c.1710A>T, p.Arg570Ser (NM_001330347.2, NM_005590.4); short protein forms R570S.
Identifiers: ClinVar variation 1681568 (VCV001681568.8), dbSNP rs2134907889, ClinGen allele CA382368277.